The following is an entry in ClinVar:

ClinVar aggregate classification (germline): Uncertain significance. Review status: criteria provided, multiple submitters, no conflicts (2 of 4 stars). 3 submissions from 3 submitters: Uncertain significance (3). Last evaluated 2026-03-30.

Conditions:
RNF31-related disorder. Also called: RNF31-related condition.

Allele frequency attached by ClinVar (database versions not stated): ExAC 0.00002; gnomAD exomes 0.00002 and 0.00003; TOPMed 0.00002; gnomAD 0.00005; 1000 Genomes Project 30x 0.00016.
gnomAD v4.1: 37 of 1,614,142 alleles (0.0023%); highest among the groups gnomAD compares: Admixed American, 0.012%; no homozygotes.

Submissions (3):

PreventionGenetics, part of Exact Sciences
Classification: Uncertain significance for RNF31-related condition. Last evaluated: 2026-03-30. Review status: criteria provided, single submitter. Criteria: ACMG Guidelines, 2015. Collection method: clinical testing. Allele origin: germline.
Comment: The RNF31 c.2936A>G variant is predicted to result in the amino acid substitution p.Asn979Ser. To our knowledge, this variant has not been reported in the literature. This variant is reported in 0.011% of alleles in individuals of Latino descent in gnomAD. At this time, the clinical significance of this variant is uncertain due to the absence of conclusive functional and genetic evidence.

Labcorp Genetics (formerly Invitae), Labcorp
Classification: Uncertain significance. Last evaluated: 2025-12-15. Review status: criteria provided, single submitter. Criteria: Invitae Variant Classification Sherloc (09022015). Collection method: clinical testing. Allele origin: germline.
Comment: This sequence change replaces asparagine, which is neutral and polar, with serine, which is neutral and polar, at codon 979 of the RNF31 protein (p.Asn979Ser). This variant is present in population databases (rs752878943, gnomAD 0.01%). This variant has not been reported in the literature in individuals affected with RNF31-related conditions. ClinVar contains an entry for this variant (Variation ID: 1355965). An algorithm developed to predict the effect of missense changes on protein structure and function outputs the following: PolyPhen-2: "Benign". The serine amino acid residue is found in multiple mammalian species, which suggests that this missense change does not adversely affect protein function. In summary, the available evidence is currently insufficient to determine the role of this variant in disease. Therefore, it has been classified as a Variant of Uncertain Significance.

Ambry Genetics
Classification: Uncertain significance. Last evaluated: 2022-05-05. Review status: criteria provided, single submitter. Criteria: Ambry Variant Classification Scheme 2023. Collection method: clinical testing. Allele origin: germline.

NM_017999.5(RNF31):c.2936A>G (p.Asn979Ser)

Gene: RNF31 (ring finger protein 31; plus strand). Cytogenetic location: 14q12.
Variant type: single nucleotide variant.
Coding change: c.2936A>G on transcript NM_017999.5 (MANE Select); coding-DNA position 2936, A replaced by G.
Protein change: p.Asn979Ser; replaces asparagine 979 with serine.
Molecular consequence: missense variant.
Genome position (GRCh38, 1-based): chr14:24,159,900, A>G. VCF-style: chr14-24159900-A-G. GRCh37 (hg19) VCF-style: chr14-24629109-A-G.
Other names: c.2483A>G, p.Asn828Ser (NM_001310332.2); c.2936A>G (NM_017999.4); short protein forms N979S, N828S.
Identifiers: ClinVar variation 1355965 (VCV001355965.10), dbSNP rs752878943, ClinGen allele CA7126223.